The following is an entry in ClinVar:

ClinVar aggregate classification (germline): Benign (1 of 4 stars; one submission).

Submission:

GeneDx
Classification: Benign. Last evaluated: 2018-06-26. Review status: criteria provided, single submitter. Criteria: GeneDx Variant Classification Process June 2021. Collection method: clinical testing. Allele origin: germline. Affected: yes.
Comment: This variant is associated with the following publications: (PMID: 26015864)

NM_002256.4(KISS1):c.-145del

Gene: KISS1 (KiSS-1 metastasis suppressor; minus strand). Cytogenetic location: 1q32.1.
Variant type: Deletion.
Coding change: c.-145del on transcript NM_002256.4 (MANE Select); 145 bases upstream of the start codon, one base deleted (T; older notation c.-145delT).
Molecular consequence: 5 prime UTR variant.
Genome position (GRCh38, 1-based): chr1:204,196,482, A deleted on the plus strand (T on the coding strand, the reverse complement: KISS1 is on the minus strand); the first of 2 consecutive A bases (chr1:204,196,482-204,196,483); deleting either gives the same sequence. VCF-style (leftmost placement, unchanged base first): chr1-204196481-CA-C. GRCh37 (hg19) VCF-style: chr1-204165609-CA-C.
Identifiers: ClinVar variation 1291542 (VCV001291542.2), dbSNP rs5780218, ClinGen allele CA35753576.